The following is an entry in ClinVar:

ClinVar aggregate classification (germline): Conflicting classifications of pathogenicity. Review status: criteria provided, conflicting classifications (1 of 4 stars). 4 submissions from 4 submitters: Likely pathogenic (3); Uncertain significance (1). Last evaluated 2025-04-04.

Conditions:
Hereditary cancer-predisposing syndrome. Also called: Tumor predisposition; Neoplastic Syndromes, Hereditary; Hereditary neoplastic syndrome; Hereditary Cancer Syndrome. Identifiers: Orphanet 140162, MedGen C0027672, MeSH D009386, MONDO:0015356.
Von Hippel-Lindau syndrome (VHLS). Also called: von Hippel–Lindau syndrome; VHL syndrome; Von Hippel-Lindau. Identifiers: Orphanet 892, MedGen C0019562, MONDO:0008667, OMIM 193300. Disease mechanism: loss of function.

Submissions (4):

Ambry Genetics
Classification: Likely pathogenic for Hereditary cancer-predisposing syndrome. Last evaluated: 2025-04-04. Review status: criteria provided, single submitter. Criteria: Ambry Variant Classification Scheme 2023. Collection method: clinical testing. Allele origin: germline.
Comment: The p.I109N variant (also known as c.326T>A), located in coding exon 1 of the VHL gene, results from a T to A substitution at nucleotide position 326. The isoleucine at codon 109 is replaced by asparagine, an amino acid with dissimilar properties. This alteration has been observed in several individuals with a personal and/or family history that is consistent with VHL-related disease (Ambry internal data). In addition, internal structural analysis indicates that this alteration is destabilizing to the protein (Ambry internal data). This variant is considered to be rare based on population cohorts in the Genome Aggregation Database (gnomAD). This amino acid position is not well conserved on species alignment. The in silico prediction for this alteration is inconclusive. Based on the majority of available evidence to date, this variant is likely to be pathogenic.

Mendelics
Classification: Likely pathogenic for Von Hippel-Lindau syndrome. Last evaluated: 2019-05-28. Review status: criteria provided, single submitter. Criteria: Mendelics Assertion Criteria 2017. Collection method: clinical testing. Allele origin: unknown.

Genomic Diagnostic Laboratory, Division of Genomic Diagnostics, Children's Hospital of Philadelphia
Classification: Uncertain significance for von Hippel-Lindau syndrome. Last evaluated: 2018-08-01. Review status: criteria provided, single submitter. Criteria: DGD Variant Analysis Guidelines. Collection method: clinical testing. Allele origin: germline. Affected: yes. Observed: 2 variant alleles.

Eurofins Ntd Llc (ga)
Classification: Likely pathogenic. Last evaluated: 2012-08-02. Review status: criteria provided, single submitter. Criteria: EGL Classification Definitions 2015. Collection method: clinical testing. Allele origin: germline. Observed: 2 variant alleles, 2 heterozygotes.

NM_000551.4(VHL):c.326T>A (p.Ile109Asn)

Gene: VHL (von Hippel-Lindau tumor suppressor; plus strand). Cytogenetic location: 3p25.3.
Variant type: single nucleotide variant.
Coding change: c.326T>A on transcript NM_000551.4 (MANE Select); coding-DNA position 326, T replaced by A.
Protein change: p.Ile109Asn; replaces isoleucine 109 with asparagine.
Molecular consequence: missense variant.
Genome position (GRCh38, 1-based): chr3:10,142,173, T>A. VCF-style: chr3-10142173-T-A. GRCh37 (hg19) VCF-style: chr3-10183857-T-A.
Other names: c.326T>A, p.Ile109Asn (NM_001354723.2, NM_198156.3); short protein forms I109N.
Identifiers: ClinVar variation 93328 (VCV000093328.12), dbSNP rs398123482, ClinGen allele CA020268.